The following is an entry in ClinVar:

ClinVar aggregate classification (germline): Benign (0 of 4 stars; one submission).

Conditions:
ABCB1-related disorder. Also called: ABCB1-related condition.

Allele frequency attached by ClinVar (database versions not stated): gnomAD 0.00425; TOPMed 0.00441; 1000 Genomes Project 0.00479; 1000 Genomes Project 30x 0.00609.

Submission:

PreventionGenetics, part of Exact Sciences
Classification: Benign for ABCB1-related condition. Last evaluated: 2019-05-01. Review status: no assertion criteria provided. Collection method: clinical testing. Allele origin: germline.
Comment: This variant is classified as benign based on ACMG/AMP sequence variant interpretation guidelines (Richards et al. 2015 PMID: 25741868, with internal and published modifications).

NM_001348946.2(ABCB1):c.-43A>G

Gene: ABCB1 (ATP binding cassette subfamily B member 1; minus strand). Cytogenetic location: 7q21.12.
Variant type: single nucleotide variant.
Coding change: c.-43A>G on transcript NM_001348946.2 (MANE Select); 43 bases upstream of the start codon, A replaced by G.
Molecular consequence: 5 prime UTR variant. On other transcripts: synonymous variant (1).
Genome position (GRCh38, 1-based): chr7:87,600,791, T>C on the plus strand (A>G on the coding strand, the complement: ABCB1 is on the minus strand). VCF-style: chr7-87600791-T-C. GRCh37 (hg19) VCF-style: chr7-87230107-T-C.
Other names: c.-43A>G (NM_000927.5, NM_001348944.2); c.168A>G, p.Lys56= (NM_001348945.2).
Identifiers: ClinVar variation 3059856 (VCV003059856.2), dbSNP rs28381801, ClinGen allele CA162474277.